The following is an entry in ClinVar:

ClinVar aggregate classification (germline): Pathogenic/Likely pathogenic. Review status: criteria provided, multiple submitters, no conflicts (2 of 4 stars). 2 submissions from 2 submitters: Pathogenic (1); Likely pathogenic (1). Last evaluated 2024-04-17.

Conditions:
Autosomal recessive nonsyndromic hearing loss 77. Identifiers: Orphanet 90636, MedGen C2746083, MONDO:0013119, OMIM 613079.

Allele frequency attached by ClinVar (database versions not stated): gnomAD exomes 0.00001.
gnomAD v4.1: 1 of 1,551,694 alleles (0.000064%); highest among the groups gnomAD compares: East Asian, 0.0024%; no homozygotes.

Submissions (2):

Natera, Inc.
Classification: Likely pathogenic for Autosomal recessive deafness type 77. Last evaluated: 2024-04-17. Review status: criteria provided, single submitter. Criteria: Natera Variant Classification Schema (03/2026). Collection method: clinical testing. Allele origin: germline.
Comment: The c.963T>G variant in LOXHD1 is a nonsense variant predicted to introduce a stop codon at amino acid 321. This variant is expected to result in nonsense mediated decay, truncation, or a dysfunctional protein product. This variant is rare in the general population with a frequency below the threshold expected for the associated phenotype(s). Given the available evidence, this variant is classified as Likely Pathogenic.

Labcorp Genetics (formerly Invitae), Labcorp
Classification: Pathogenic. Last evaluated: 2021-10-10. Review status: criteria provided, single submitter. Criteria: Invitae Variant Classification Sherloc (09022015). Collection method: clinical testing. Allele origin: germline.
Comment: For these reasons, this variant has been classified as Pathogenic. Algorithms developed to predict the effect of sequence changes on RNA splicing suggest that this variant may create or strengthen a splice site. This variant has not been reported in the literature in individuals affected with LOXHD1-related conditions. This variant is not present in population databases (ExAC no frequency). This sequence change creates a premature translational stop signal (p.Tyr321*) in the LOXHD1 gene. It is expected to result in an absent or disrupted protein product. Loss-of-function variants in LOXHD1 are known to be pathogenic (PMID: 19732867, 21465660, 25792669).

Literature cited by the submitters: PubMed 19732867 (cited by Labcorp Genetics (formerly Invitae), Labcorp); PubMed 21465660 (cited by Labcorp Genetics (formerly Invitae), Labcorp); PubMed 25792669 (cited by Labcorp Genetics (formerly Invitae), Labcorp).

NM_001384474.1(LOXHD1):c.963T>G (p.Tyr321Ter)

Gene: LOXHD1 (lipoxygenase homology PLAT domains 1; minus strand). Cytogenetic location: 18q21.1.
Variant type: single nucleotide variant.
Coding change: c.963T>G on transcript NM_001384474.1 (MANE Select); coding-DNA position 963, T replaced by G.
Protein change: p.Tyr321Ter; replaces tyrosine 321 with a stop codon.
Molecular consequence: nonsense.
Genome position (GRCh38, 1-based): chr18:46,601,388, A>C on the plus strand (T>G on the coding strand, the complement: LOXHD1 is on the minus strand). VCF-style: chr18-46601388-A-C. GRCh37 (hg19) VCF-style: chr18-44181351-A-C.
Other names: c.963T>G, p.Tyr321Ter (NM_144612.7); c.963T>G (NM_144612.6); short protein forms Y321*.
Identifiers: ClinVar variation 1452091 (VCV001452091.7), dbSNP rs1317610566, ClinGen allele CA402381863.